The following is an entry in ClinVar:

ClinVar aggregate classification (germline): Likely pathogenic (1 of 4 stars; one submission).

Conditions:
Neurodevelopmental disorder with regression, abnormal movements, loss of speech, and seizures. Identifiers: Orphanet 597623, MedGen C4748127, MONDO:0060759, OMIM 618088.

Submission:

3billion
Classification: Likely pathogenic for Neurodevelopmental disorder with regression, abnormal movements, loss of speech, and seizures. Last evaluated: 2023-10-23. Review status: criteria provided, single submitter. Criteria: ACMG Guidelines, 2015. Collection method: clinical testing. Allele origin: germline. Affected: yes.
Comment: The variant is not observed in the gnomAD v2.1.1 dataset. Predicted Consequence/Location: Frameshift: predicted to result in a loss or disruption of normal protein function through protein truncation. Multiple pathogenic variants are reported in the predicted truncated region. Therefore, this variant is classified as Likely pathogenic according to the recommendation of ACMG/AMP guideline.

NM_024496.4(IRF2BPL):c.1755del (p.Phe586fs)

Gene: IRF2BPL (interferon regulatory factor 2 binding protein like; minus strand). Cytogenetic location: 14q24.3.
Variant type: Deletion.
Coding change: c.1755del on transcript NM_024496.4 (MANE Select); coding-DNA position 1755, one base deleted (C; older notation c.1755delC).
Protein change: p.Phe586fs; shifts the reading frame from phenylalanine 586.
Molecular consequence: frameshift variant.
Genome position (GRCh38, 1-based): chr14:77,026,038, G deleted on the plus strand (C on the coding strand, the reverse complement: IRF2BPL is on the minus strand). VCF-style (leftmost placement, unchanged base first): chr14-77026037-AG-A. GRCh37 (hg19) VCF-style: chr14-77492380-AG-A.
Other names: short protein forms F586fs.
Identifiers: ClinVar variation 3775712 (VCV003775712.1).